The following is an entry in ClinVar:

ClinVar aggregate classification (germline): Uncertain significance (1 of 4 stars; one submission).

Submission:

Labcorp Genetics (formerly Invitae), Labcorp
Classification: Uncertain significance. Last evaluated: 2025-08-27. Review status: criteria provided, single submitter. Criteria: Invitae Variant Classification Sherloc (09022015). Collection method: clinical testing. Allele origin: germline.
Comment: This variant, c.174_182del, results in the deletion of 3 amino acid(s) of the FBXO11 protein (p.Pro64_Pro66del), but otherwise preserves the integrity of the reading frame. This variant is not present in population databases (gnomAD no frequency). This variant has not been reported in the literature in individuals affected with FBXO11-related conditions. In summary, the available evidence is currently insufficient to determine the role of this variant in disease. Therefore, it has been classified as a Variant of Uncertain Significance.

NM_001190274.2(FBXO11):c.174_182del (p.Pro64_Pro66del)

Gene: FBXO11 (F-box protein 11; minus strand). Cytogenetic location: 2p16.3.
Variant type: Deletion.
Coding change: c.174_182del on transcript NM_001190274.2 (MANE Select); coding-DNA positions 174 to 182, 9 bases deleted (GCCGCCGCC; older notation c.174_182delGCCGCCGCC).
Protein change: p.Pro64_Pro66del.
Genome position (GRCh38, 1-based): chr2:47,905,539-47,905,547, GGCGGCGGC deleted on the plus strand (GCCGCCGCC on the coding strand, the reverse complement: FBXO11 is on the minus strand); deleting any 9 consecutive bases within chr2:47,905,539-47,905,549 gives the same sequence; the c. name uses the placement nearest the transcript's 3' end. VCF-style (leftmost placement, unchanged base first): chr2-47905538-TGGCGGCGGC-T. GRCh37 (hg19) VCF-style: chr2-48132677-TGGCGGCGGC-T.
Identifiers: ClinVar variation 4777805 (VCV004777805.1).